The following is an entry in ClinVar:

ClinVar aggregate classification (germline): Uncertain significance (1 of 4 stars; one submission).

gnomAD v4.1: 1 of 1,614,136 alleles (0.000062%); highest among the groups gnomAD compares: Non-Finnish European, 0.000085%; no homozygotes.

Submission:

Ambry Genetics
Classification: Uncertain significance. Last evaluated: 2026-01-17. Review status: criteria provided, single submitter. Criteria: Ambry Variant Classification Scheme 2023. Collection method: clinical testing. Allele origin: germline.
Comment: The p.N1081H variant (also known as c.3241A>C), located in coding exon 26 of the A2ML1 gene, results from an A to C substitution at nucleotide position 3241. The asparagine at codon 1081 is replaced by histidine, an amino acid with similar properties. This amino acid position is conserved. In addition, this alteration is predicted to be tolerated by in silico analysis. Based on the available evidence, the clinical significance of this variant remains unclear.

NM_144670.6(A2ML1):c.3241A>C (p.Asn1081His)

Gene: A2ML1 (alpha-2-macroglobulin like 1; plus strand). Cytogenetic location: 12p13.31.
Variant type: single nucleotide variant.
Coding change: c.3241A>C on transcript NM_144670.6 (MANE Select); coding-DNA position 3241, A replaced by C.
Protein change: p.Asn1081His; replaces asparagine 1081 with histidine.
Molecular consequence: missense variant.
Genome position (GRCh38, 1-based): chr12:8,858,079, A>C. VCF-style: chr12-8858079-A-C. GRCh37 (hg19) VCF-style: chr12-9010675-A-C.
Other names: c.1768A>C, p.Asn590His (NM_001282424.3); short protein forms N1081H, N590H.
Identifiers: ClinVar variation 4844954 (VCV004844954.1).